The following is an entry in ClinVar:

ClinVar aggregate classification (germline): Uncertain significance (1 of 4 stars; one submission).

Conditions:
ALG9 congenital disorder of glycosylation (CDG1L). Also called: ALG9-CDG; CONGENITAL DISORDER OF GLYCOSYLATION, TYPE Il; CDG Il. Identifiers: Orphanet 79328, MedGen C2931006, MONDO:0012117, OMIM 608776.

Allele frequency attached by ClinVar (database versions not stated): gnomAD exomes below 0.00001; ExAC 0.00001; gnomAD 0.00001.
gnomAD v4.1: 3 of 1,614,136 alleles (0.00019%); highest among the groups gnomAD compares: Middle Eastern, 0.016%; no homozygotes.

Submission:

Labcorp Genetics (formerly Invitae), Labcorp
Classification: Uncertain significance for ALG9 congenital disorder of glycosylation. Last evaluated: 2024-05-15. Review status: criteria provided, single submitter. Criteria: Invitae Variant Classification Sherloc (09022015). Collection method: clinical testing. Allele origin: germline.
Comment: This sequence change replaces serine, which is neutral and polar, with glycine, which is neutral and non-polar, at codon 490 of the ATP6V0A2 protein (p.Ser490Gly). This variant is present in population databases (rs761024266, gnomAD 0.0009%). This variant has not been reported in the literature in individuals affected with ATP6V0A2-related conditions. ClinVar contains an entry for this variant (Variation ID: 1371187). Advanced modeling of protein sequence and biophysical properties (such as structural, functional, and spatial information, amino acid conservation, physicochemical variation, residue mobility, and thermodynamic stability) performed at Invitae indicates that this missense variant is not expected to disrupt ATP6V0A2 protein function with a negative predictive value of 80%. In summary, the available evidence is currently insufficient to determine the role of this variant in disease. Therefore, it has been classified as a Variant of Uncertain Significance.

NM_012463.4(ATP6V0A2):c.1468A>G (p.Ser490Gly)

Gene: ATP6V0A2 (ATPase H+ transporting V0 subunit a2; plus strand). Cytogenetic location: 12q24.31.
Variant type: single nucleotide variant.
Coding change: c.1468A>G on transcript NM_012463.4 (MANE Select); coding-DNA position 1468, A replaced by G.
Protein change: p.Ser490Gly; replaces serine 490 with glycine.
Molecular consequence: missense variant.
Genome position (GRCh38, 1-based): chr12:123,744,738, A>G. VCF-style: chr12-123744738-A-G. GRCh37 (hg19) VCF-style: chr12-124229285-A-G.
Other names: short protein forms S490G.
Identifiers: ClinVar variation 1371187 (VCV001371187.6), dbSNP rs761024266, ClinGen allele CA6861933.